The following is an entry in ClinVar:

ClinVar aggregate classification (germline): Likely pathogenic (1 of 4 stars; one submission).

Submission:

GeneDx
Classification: Likely pathogenic. Last evaluated: 2023-05-19. Review status: criteria provided, single submitter. Criteria: GeneDx Variant Classification Process June 2021. Collection method: clinical testing. Allele origin: germline. Affected: yes.
Comment: Published functional studies demonstrate that the presence of V244L decreases binding with the CCM2 phosphotyrosine binding (PTB) domain (Fisher et al., 2015); Not observed at significant frequency in large population cohorts (gnomAD); This variant is associated with the following publications: (PMID: 25525273, 31360916)

NM_194454.3(KRIT1):c.730G>T (p.Val244Leu)

Gene: KRIT1 (KRIT1 ankyrin repeat containing; minus strand). Cytogenetic location: 7q21.2.
Variant type: single nucleotide variant.
Coding change: c.730G>T on transcript NM_194454.3 (MANE Select); coding-DNA position 730, G replaced by T.
Protein change: p.Val244Leu; replaces valine 244 with leucine.
Molecular consequence: missense variant.
Genome position (GRCh38, 1-based): chr7:92,234,923, C>A on the plus strand (G>T on the coding strand, the complement: KRIT1 is on the minus strand). VCF-style: chr7-92234923-C-A. GRCh37 (hg19) VCF-style: chr7-91864237-C-A.
Other names: c.730G>T, p.Val244Leu (NM_001013406.2, NM_001350669.1, NM_001350670.1 and 29 more transcripts); c.16G>T, p.Val6Leu (NM_001350671.1); short protein forms V244L, V6L.
Identifiers: ClinVar variation 449498 (VCV000449498.3), dbSNP rs1554527919, ClinGen allele CA368159083.